The following is an entry in ClinVar:

ClinVar aggregate classification (germline): Uncertain significance (1 of 4 stars; one submission).

Conditions:
Hereditary cancer-predisposing syndrome. Also called: Tumor predisposition; Neoplastic Syndromes, Hereditary; Hereditary neoplastic syndrome; Hereditary Cancer Syndrome. Identifiers: Orphanet 140162, MedGen C0027672, MeSH D009386, MONDO:0015356.

Submission:

Ambry Genetics
Classification: Uncertain significance for Hereditary cancer-predisposing syndrome. Last evaluated: 2025-08-27. Review status: criteria provided, single submitter. Criteria: Ambry Variant Classification Scheme 2023. Collection method: clinical testing. Allele origin: germline.
Comment: The p.I537F variant (also known as c.1609A>T), located in coding exon 16 of the MUTYH gene, results from an A to T substitution at nucleotide position 1609. The isoleucine at codon 537 is replaced by phenylalanine, an amino acid with highly similar properties. This amino acid position is conserved. In addition, this alteration is predicted to be tolerated by in silico analysis. Based on the available evidence, the clinical significance of this variant remains unclear.

NM_001048174.2(MUTYH):c.1525A>T (p.Ile509Phe)

Gene: MUTYH (mutY DNA glycosylase; minus strand). Cytogenetic location: 1p34.1.
Variant type: single nucleotide variant.
Coding change: c.1525A>T on transcript NM_001048174.2 (MANE Select); coding-DNA position 1525, A replaced by T.
Protein change: p.Ile509Phe; replaces isoleucine 509 with phenylalanine.
Molecular consequence: missense variant. On other transcripts: non-coding transcript variant (7).
Genome position (GRCh38, 1-based): chr1:45,329,347, T>A on the plus strand (A>T on the coding strand, the complement: MUTYH is on the minus strand). VCF-style: chr1-45329347-T-A. GRCh37 (hg19) VCF-style: chr1-45795019-T-A.
Other names: c.1525A>T, p.Ile509Phe (NM_001048171.2, NM_001048173.2, NM_001293195.2 and 6 more transcripts); c.1528A>T, p.Ile510Phe (NM_001048172.2, NM_001407086.1, NM_001407071.1 and 1 more transcripts); c.1609A>T, p.Ile537Phe (NM_001128425.2); c.1570A>T, p.Ile524Phe (NM_001293190.2); c.1558A>T, p.Ile520Phe (NM_001293191.2, NM_001407069.1, NM_001407077.1); c.1249A>T, p.Ile417Phe (NM_001293192.2, NM_001293196.2, NM_001407091.1); c.1180A>T, p.Ile394Phe (NM_001350650.2, NM_001407082.1, NM_001350651.2); c.1483A>T, p.Ile495Phe (NM_001407080.1); and 5 more; short protein forms I495F, I537F, I394F, I510F, I516F, I417F, I509F, I520F.
Identifiers: ClinVar variation 4113436 (VCV004113436.1).
Genomic context (GRCh38, chr1:45,329,347, plus strand): 5'-ATGGGGGCTTTCAGAGGTGTCACTGGGCTGCACTGTTGAGGCTGTGTGCATCAGTGGAGA[T>A]GTGAGACCGAAAGAAATTATCCAGGACTTGCTGGCCCATGCGGGGCTTTTTCCGACTGCA-3'
Protein context (NP_001041639.1, residues 499-519): QVLDNFFRSH[Ile509Phe]STDAHSLNSA